The following is an entry in ClinVar:

NM_006005.3(WFS1):c.2290C>T (p.Pro764Ser)

Gene: WFS1 (wolframin ER transmembrane glycoprotein; plus strand). Cytogenetic location: 4p16.1.
Variant type: single nucleotide variant.
Coding change: c.2290C>T on transcript NM_006005.3 (MANE Select); coding-DNA position 2290, C replaced by T.
Protein change: p.Pro764Ser; replaces proline 764 with serine.
Molecular consequence: missense variant.
Genome position (GRCh38, 1-based): chr4:6,302,085, C>T. VCF-style: chr4-6302085-C-T. GRCh37 (hg19) VCF-style: chr4-6303812-C-T.
Other names: c.2290C>T, p.Pro764Ser (NM_001145853.1); short protein forms P764S.
Identifiers: ClinVar variation 1316031 (VCV001316031.2), dbSNP rs377102310, ClinGen allele CA91797019.

ClinVar aggregate classification (germline): Uncertain significance (1 of 4 stars; one submission).

Allele frequency attached by ClinVar (database versions not stated): 1000 Genomes Project 30x 0.00016; 1000 Genomes Project 0.00020.

Submission:

GeneDx
Classification: Uncertain significance. Last evaluated: 2019-12-13. Review status: criteria provided, single submitter. Criteria: GeneDx Variant Classification Process June 2021. Collection method: clinical testing. Allele origin: germline. Affected: yes.
Comment: Not observed in large population cohorts (Lek et al., 2016); In silico analysis, which includes protein predictors and evolutionary conservation, supports that this variant does not alter protein structure/function; Has not been previously published as pathogenic or benign to our knowledge